The following is an entry in ClinVar:

NM_006122.4(MAN2A2):c.1197-4C>G

Gene: MAN2A2 (mannosidase alpha class 2A member 2; plus strand). Cytogenetic location: 15q26.1.
Variant type: single nucleotide variant.
Coding change: c.1197-4C>G on transcript NM_006122.4 (MANE Select); 4 bases into the intron before coding-DNA position 1197, C replaced by G.
Molecular consequence: intron variant.
Genome position (GRCh38, 1-based): chr15:90,909,323, C>G. VCF-style: chr15-90909323-C-G. GRCh37 (hg19) VCF-style: chr15-91452553-C-G.
Other names: c.1197-4C>G (NM_001320977.2).
Identifiers: ClinVar variation 2645714 (VCV002645714.24), dbSNP rs138305875, ClinGen allele CA7741356.
Genomic context (GRCh38, chr15:90,909,323, plus strand): 5'-TGTGCGTGGTGCTCTTTTACTGATGAGACTTCGTGGTGGGCCCATGTTTTTTTTCCTGCC[C>G]CAGGGCAGCCCTGCTTCTGGACCAATACCGGAAGAAGTCCCAGCTGTTCCGAAGCAACGT-3'

ClinVar aggregate classification (germline): Likely benign (1 of 4 stars; one submission).

Allele frequency attached by ClinVar (database versions not stated): 1000 Genomes Project 0.00200; 1000 Genomes Project 30x 0.00265; ExAC 0.00318; TOPMed 0.00318; gnomAD 0.00355; ESP Exome Variant Server 0.00439; gnomAD exomes 0.00518.
gnomAD v4.1: 8,007 of 1,601,738 alleles (0.5%); highest among the groups gnomAD compares: Non-Finnish European, 0.61%; 21 homozygotes.

Submission:

CeGaT Center for Human Genetics Tuebingen
Classification: Likely benign. Last evaluated: 2022-04-01. Review status: criteria provided, single submitter. Criteria: CeGaT Center For Human Genetics Tuebingen Variant Classification Criteria Version 2. Collection method: clinical testing. Allele origin: germline. Affected: yes. Observed: 1 variant allele.
Comment: MAN2A2: BP4